The following is an entry in ClinVar:

NM_005157.6(ABL1):c.[1516G>A;1531G>C]

Variant type: Haplotype.
Identifiers: ClinVar variation 3237368 (VCV003237368.2).

ClinVar aggregate classification (germline): Pathogenic (0 of 4 stars; one submission).

Conditions:
Congenital heart defects and skeletal malformations syndrome. Identifiers: Orphanet 643503, MedGen C4539857, MONDO:0060532, OMIM 617602.

Submission:

OMIM
Classification: Pathogenic for CONGENITAL HEART DEFECTS AND SKELETAL MALFORMATIONS SYNDROME. Last evaluated: 2021-11-15. Review status: no assertion criteria provided. Collection method: literature only. Allele origin: germline.

Literature cited by the submitters: PubMed 32643838.